The following is an entry in ClinVar:

ClinVar aggregate classification (germline): Uncertain significance (1 of 4 stars; one submission).

Conditions:
Inborn genetic diseases. Identifiers: MedGen C0950123, MeSH D030342.

gnomAD v4.1: 11 of 1,614,024 alleles (0.00068%); highest among the groups gnomAD compares: Non-Finnish European, 0.00093%; no homozygotes.

Submission:

Ambry Genetics
Classification: Uncertain significance for Inborn genetic diseases. Last evaluated: 2025-02-22. Review status: criteria provided, single submitter. Criteria: Ambry Variant Classification Scheme 2023. Collection method: clinical testing. Allele origin: germline.
Comment: The p.M288T variant (also known as c.863T>C), located in coding exon 5 of the ERCC6L2 gene, results from a T to C substitution at nucleotide position 863. The methionine at codon 288 is replaced by threonine, an amino acid with similar properties. This amino acid position is conserved. In addition, this alteration is predicted to be deleterious by in silico analysis. Based on the available evidence, the clinical significance of this variant remains unclear.

NM_020207.7(ERCC6L2):c.863T>C (p.Met288Thr)

Gene: ERCC6L2 (ERCC excision repair 6 like 2; plus strand). Cytogenetic location: 9q22.32.
Variant type: single nucleotide variant.
Coding change: c.863T>C on transcript NM_020207.7 (MANE Select); coding-DNA position 863, T replaced by C.
Protein change: p.Met288Thr; replaces methionine 288 with threonine.
Molecular consequence: missense variant. On other transcripts: non-coding transcript variant (1).
Genome position (GRCh38, 1-based): chr9:95,915,742, T>C. VCF-style: chr9-95915742-T-C. GRCh37 (hg19) VCF-style: chr9-98678024-T-C.
Other names: c.863T>C, p.Met288Thr (NM_001010895.4, NM_001375291.1, NM_001375292.1 and 2 more transcripts); short protein forms M288T.
Identifiers: ClinVar variation 3845956 (VCV003845956.1).
Genomic context (GRCh38, chr9:95,915,742, plus strand): 5'-CTGTCATTGTGGATGAAGCTCATAGAATCAAGAATCCAAAAGCTAGAGTAACAGAAGTTA[T>C]GAAAGCTTTGAAATGTAATGTCCGCATTGGCCTCACTGGAACCATCCTTCAGAACAACAT-3'
Protein context (NP_064592.3, residues 278-298): KNPKARVTEV[Met288Thr]KALKCNVRIG